The following is an entry in ClinVar:

ClinVar aggregate classification (germline): Uncertain significance. Review status: criteria provided, multiple submitters, no conflicts (2 of 4 stars). 3 submissions from 3 submitters: Uncertain significance (2). 1 of the submissions does not count toward it. Last evaluated 2025-04-07.

Conditions:
Non-syndromic oligodontia.
Ectodermal dysplasia 10B, hypohidrotic/hair/tooth type, autosomal recessive. Also called: Ectodermal dysplasia 10B, hypohidrotic/hair/tooth type, autosomal; Ectodermal Dysplasia, Hypohidrotic, Autosomal Recessive. Identifiers: Orphanet 238468, Orphanet 248, MedGen C3887494, MONDO:0009147, OMIM 224900.
Ectodermal dysplasia 10A, hypohidrotic/hair/nail type, autosomal dominant (ECTD10A). Also called: Ectodermal Dysplasia 3, Anhidrotic. Identifiers: Orphanet 1810, Orphanet 238468, MedGen C3888065, MONDO:0007509, OMIM 129490.

Allele frequency attached by ClinVar (database versions not stated): TOPMed 0.00010; gnomAD 0.00012 and 0.00013; 1000 Genomes Project 30x 0.00016; 1000 Genomes Project 0.00020.
gnomAD v4.1: 87 of 1,613,592 alleles (0.0054%); highest among the groups gnomAD compares: African/African-American, 0.016%; 1 homozygote.

Submissions (3):

GeneDx
Classification: Uncertain significance. Last evaluated: 2025-04-07. Review status: criteria provided, single submitter. Criteria: GeneDx Variant Classification Process June 2021. Collection method: clinical testing. Allele origin: germline. Affected: yes.
Comment: Reported in a patient with nonsyndromic oligodontia in the published literature (PMID: 32906216); In silico analysis indicates that this missense variant does not alter protein structure/function; Missense variants in this gene are a common cause of disease and they are underrepresented in the general population; This variant is associated with the following publications: (PMID: 33943035, 35152651, 32906216)

Department of Pathology and Laboratory Medicine, Sinai Health System
Classification: Uncertain significance for Ectodermal dysplasia 10A, hypohidrotic/hair/nail type, autosomal dominant; Ectodermal dysplasia 10B, hypohidrotic/hair/tooth type, autosomal recessive. Last evaluated: 2023-01-11. Review status: criteria provided, single submitter. Criteria: ACMG Guidelines, 2015. Collection method: research. Allele origin: germline.

Department of Prosthodontics, Peking University School and Hospital of Stomatology
Classification: Pathogenic for Non-syndromic oligodontia. Last evaluated: 2020-04-27. Review status: no assertion criteria provided. Collection method: clinical testing. Allele origin: inherited. Affected: yes. Not counted in ClinVar's aggregate classification.

NM_022336.4(EDAR):c.871G>A (p.Ala291Thr)

Genes: EDAR (ectodysplasin A receptor; minus strand), RANBP2 (RAN binding protein 2; plus strand). Cytogenetic location: 2q13.
Variant type: single nucleotide variant.
Coding change: c.871G>A on transcript NM_022336.4 (MANE Select); coding-DNA position 871, G replaced by A.
Protein change: p.Ala291Thr; replaces alanine 291 with threonine.
Molecular consequence: missense variant.
Genome position (GRCh38, 1-based): chr2:108,907,952, C>T on the plus strand (G>A on the coding strand, the complement: EDAR is on the minus strand). VCF-style: chr2-108907952-C-T. GRCh37 (hg19) VCF-style: chr2-109524408-C-T.
Other names: c.871G>A (NM_022336.3); short protein forms A291T.
Identifiers: ClinVar variation 929861 (VCV000929861.3), dbSNP rs200267845, ClinGen allele CA1824899.
Genomic context (GRCh38, chr2:108,907,952, plus strand): 5'-CCCTGGCCAGGTGAACCAGCGACAGCAGGCACAGCTCCGGGGAGCCCTGCTTGTCAGGGG[C>T]GGGCTCCTCATCACTGTCGACGCTCCGGCTCAGCAGCTGCTCATTCTCGGATGAGGCATC-3'
Protein context (NP_071731.1, residues 281-301): SRSVDSDEEP[Ala291Thr]PDKQGSPELC